The following is an entry in ClinVar:

ClinVar aggregate classification (germline): Uncertain significance (1 of 4 stars; one submission).

Conditions:
SLC35A2-congenital disorder of glycosylation. Also called: EPILEPTIC ENCEPHALOPATHY, EARLY INFANTILE, 22; CONGENITAL DISORDER OF GLYCOSYLATION, TYPE IIm; CDG IIm; CONGENITAL DISORDER OF GLYCOSYLATION, TYPE IIm, SOMATIC MOSAIC; DEVELOPMENTAL AND EPILEPTIC ENCEPHALOPATHY 22; SLC35A2-CDG. Identifiers: Orphanet 356961, MedGen C3806688, MONDO:0010478, OMIM 300896.

Submission:

Labcorp Genetics (formerly Invitae), Labcorp
Classification: Uncertain significance for SLC35A2-congenital disorder of glycosylation. Last evaluated: 2024-06-13. Review status: criteria provided, single submitter. Criteria: Invitae Variant Classification Sherloc (09022015). Collection method: clinical testing. Allele origin: germline.
Comment: This sequence change replaces tyrosine, which is neutral and polar, with histidine, which is basic and polar, at codon 37 of the SLC35A2 protein (p.Tyr37His). This variant is not present in population databases (gnomAD no frequency). This variant has not been reported in the literature in individuals affected with SLC35A2-related conditions. Advanced modeling of protein sequence and biophysical properties (such as structural, functional, and spatial information, amino acid conservation, physicochemical variation, residue mobility, and thermodynamic stability) has been performed at Invitae for this missense variant, however the output from this modeling did not meet the statistical confidence thresholds required to predict the impact of this variant on SLC35A2 protein function. In summary, the available evidence is currently insufficient to determine the role of this variant in disease. Therefore, it has been classified as a Variant of Uncertain Significance.

NM_005660.3(SLC35A2):c.109T>C (p.Tyr37His)

Gene: SLC35A2 (solute carrier family 35 member A2; minus strand). Cytogenetic location: Xp11.23.
Variant type: single nucleotide variant.
Coding change: c.109T>C on transcript NM_005660.3 (MANE Select); coding-DNA position 109, T replaced by C.
Protein change: p.Tyr37His; replaces tyrosine 37 with histidine.
Molecular consequence: missense variant. On other transcripts: intron variant (1).
Genome position (GRCh38, 1-based): chrX:48,909,979, A>G on the plus strand (T>C on the coding strand, the complement: SLC35A2 is on the minus strand). VCF-style: chrX-48909979-A-G. GRCh37 (hg19) VCF-style: chrX-48767256-A-G.
Other names: c.109T>C, p.Tyr37His (NM_001032289.3, NM_001042498.3, NM_001282647.2); c.37T>C, p.Tyr13His (NM_001282648.2); c.148T>C, p.Tyr50His (NM_001282650.2); c.193T>C, p.Tyr65His (NM_001282651.2); c.91+1567T>C (NM_001282649.2); short protein forms Y37H, Y50H, Y65H, Y13H.
Identifiers: ClinVar variation 3655624 (VCV003655624.2).